The following is an entry in ClinVar:

NM_024741.3(ZNF408):c.1840A>G (p.Met614Val)

Gene: ZNF408 (zinc finger protein 408; plus strand). Cytogenetic location: 11p11.2.
Variant type: single nucleotide variant.
Coding change: c.1840A>G on transcript NM_024741.3 (MANE Select); coding-DNA position 1840, A replaced by G.
Protein change: p.Met614Val; replaces methionine 614 with valine.
Molecular consequence: missense variant.
Genome position (GRCh38, 1-based): chr11:46,705,540, A>G. VCF-style: chr11-46705540-A-G. GRCh37 (hg19) VCF-style: chr11-46727090-A-G.
Other names: c.1816A>G, p.Met606Val (NM_001184751.2); short protein forms M606V, M614V.
Identifiers: ClinVar variation 1461296 (VCV001461296.8), dbSNP rs2134511388, ClinGen allele CA380257639.

ClinVar aggregate classification (germline): Uncertain significance (1 of 4 stars; one submission).

Allele frequency attached by ClinVar (database versions not stated): gnomAD exomes below 0.00001.
gnomAD v4.1: 2 of 1,605,034 alleles (0.00012%); highest among the groups gnomAD compares: East Asian, 0.0022%; no homozygotes.

Submission:

Labcorp Genetics (formerly Invitae), Labcorp
Classification: Uncertain significance. Last evaluated: 2024-01-18. Review status: criteria provided, single submitter. Criteria: Invitae Variant Classification Sherloc (09022015). Collection method: clinical testing. Allele origin: germline.
Comment: This sequence change replaces methionine, which is neutral and non-polar, with valine, which is neutral and non-polar, at codon 614 of the ZNF408 protein (p.Met614Val). This variant is not present in population databases (gnomAD no frequency). This variant has not been reported in the literature in individuals affected with ZNF408-related conditions. ClinVar contains an entry for this variant (Variation ID: 1461296). An algorithm developed to predict the effect of missense changes on protein structure and function (PolyPhen-2) suggests that this variant is likely to be disruptive. In summary, the available evidence is currently insufficient to determine the role of this variant in disease. Therefore, it has been classified as a Variant of Uncertain Significance.